The following is an entry in ClinVar:

NM_001258392.3(CLPB):c.1869GGA[1] (p.Glu624del)

Gene: CLPB (ClpB family mitochondrial disaggregase; minus strand). Cytogenetic location: 11q13.4.
Variant type: Microsatellite.
Coding change: c.1869GGA[1] on transcript NM_001258392.3 (MANE Select); one copy of the 3-base unit GGA starting at c.1869; the reference has two copies in a row; one copy, 3 bases deleted.
Protein change: p.Glu624del; deletes glutamic acid 624.
Molecular consequence: inframe deletion.
Genome position (GRCh38, 1-based): chr11:72,293,527-72,293,529, TCC deleted on the plus strand (GGA on the coding strand, the reverse complement: CLPB is on the minus strand); deleting any 3 consecutive bases within chr11:72,293,527-72,293,532 gives the same sequence; the position shown is the placement nearest the transcript's 3' end. VCF-style (leftmost placement, unchanged base first): chr11-72293526-GTCC-G. GRCh37 (hg19) VCF-style: chr11-72004570-GTCC-G.
Other names: c.1782GGA[1], p.Glu595del (NM_001258393.3); c.1824GGA[1], p.Glu609del (NM_001258394.3); c.1959GGA[1], p.Glu654del (NM_030813.6); short protein forms E595del, E654del, E624del, E609del.
Identifiers: ClinVar variation 3781185 (VCV003781185.2).

ClinVar aggregate classification (germline): Uncertain significance. Review status: criteria provided, multiple submitters, no conflicts (2 of 4 stars). 2 submissions from 2 submitters: Uncertain significance (2). Last evaluated 2025-09-21.

Conditions:
3-methylglutaconic aciduria, type VIIB (MGCA7B). Also called: 3-methylglutaconic aciduria, type VII, with cataracts, neurologic involvement and neutropenia; 3-methylglutaconic aciduria with cataracts, neurologic involvement and neutropenia; CLPB Deficiency. Identifiers: Orphanet 445038, MedGen C5676893, MONDO:0014561, OMIM 616271.

Submissions (2):

Labcorp Genetics (formerly Invitae), Labcorp
Classification: Uncertain significance for 3-methylglutaconic aciduria, type VIIB. Last evaluated: 2025-09-21. Review status: criteria provided, single submitter. Criteria: Invitae Variant Classification Sherloc (09022015). Collection method: clinical testing. Allele origin: germline.
Comment: This variant, c.1962_1964del, results in the deletion of 1 amino acid(s) of the CLPB protein (p.Glu654del), but otherwise preserves the integrity of the reading frame. This variant is not present in population databases (gnomAD no frequency). This variant has not been reported in the literature in individuals affected with CLPB-related conditions. ClinVar contains an entry for this variant (Variation ID: 3781185). Experimental studies and prediction algorithms are not available or were not evaluated, and the functional significance of this variant is currently unknown. In summary, the available evidence is currently insufficient to determine the role of this variant in disease. Therefore, it has been classified as a Variant of Uncertain Significance.

GeneDx
Classification: Uncertain significance. Last evaluated: 2024-10-17. Review status: criteria provided, single submitter. Criteria: GeneDx Variant Classification Process June 2021. Collection method: clinical testing. Allele origin: germline. Affected: yes.
Comment: In-frame deletion of 1 amino acid in a non-repeat region; Not observed at significant frequency in large population cohorts (gnomAD); In silico analysis supports a deleterious effect on protein structure/function; Has not been previously published as pathogenic or benign to our knowledge